The following is an entry in ClinVar:

ClinVar aggregate classification (germline): Uncertain significance (1 of 4 stars; one submission).

Conditions:
Hereditary cancer-predisposing syndrome. Also called: Neoplastic Syndromes, Hereditary; Tumor predisposition; Hereditary neoplastic syndrome; Hereditary Cancer Syndrome. Identifiers: Orphanet 140162, MedGen C0027672, MeSH D009386, MONDO:0015356.

Allele frequency attached by ClinVar (database versions not stated): gnomAD exomes below 0.00001; ExAC 0.00001.
gnomAD v4.1: 4 of 1,611,576 alleles (0.00025%); highest among the groups gnomAD compares: South Asian, 0.0044%; no homozygotes.

Submission:

Ambry Genetics
Classification: Uncertain significance for Hereditary cancer-predisposing syndrome. Last evaluated: 2023-11-09. Review status: criteria provided, single submitter. Criteria: Ambry Variant Classification Scheme 2023. Collection method: clinical testing. Allele origin: germline.
Comment: The p.G1343E variant (also known as c.4028G>A), located in coding exon 23 of the PTCH1 gene, results from a G to A substitution at nucleotide position 4028. The glycine at codon 1343 is replaced by glutamic acid, an amino acid with similar properties. This amino acid position is conserved. In addition, this alteration is predicted to be tolerated by in silico analysis. Since supporting evidence is limited at this time, the clinical significance of this alteration remains unclear.

NM_000264.5(PTCH1):c.4028G>A (p.Gly1343Glu)

Gene: PTCH1 (patched 1; minus strand). Cytogenetic location: 9q22.32.
Variant type: single nucleotide variant.
Coding change: c.4028G>A on transcript NM_000264.5 (MANE Select); coding-DNA position 4028, G replaced by A.
Protein change: p.Gly1343Glu; replaces glycine 1343 with glutamic acid.
Molecular consequence: missense variant. On other transcripts: non-coding transcript variant (1).
Genome position (GRCh38, 1-based): chr9:95,447,228, C>T on the plus strand (G>A on the coding strand, the complement: PTCH1 is on the minus strand). VCF-style: chr9-95447228-C-T. GRCh37 (hg19) VCF-style: chr9-98209510-C-T.
Other names: c.3830G>A, p.Gly1277Glu (NM_001083602.3); c.4025G>A, p.Gly1342Glu (NM_001083603.3); c.3575G>A, p.Gly1192Glu (NM_001083604.3, NM_001083605.3, NM_001083606.3 and 1 more transcripts); c.3872G>A, p.Gly1291Glu (NM_001354918.2); short protein forms G1192E, G1277E, G1291E, G1342E, G1343E.
Identifiers: ClinVar variation 3231041 (VCV003231041.1), dbSNP rs757997132, ClinGen allele CA5137976.
Genomic context (GRCh38, chr9:95,447,228, plus strand): 5'-CCGGGCACGGAGCTGCCCATGGCAGTGGACGCTGGGTTCCGAGGGTTGTGAGAACGGGCC[C>T]CGCGAGGGCCCCAGCGGGCCCTATTGCTAGGGCCAGAATGCCCTTCAGTAGAAATTTCAA-3'
Protein context (NP_000255.2, residues 1333-1353): PSNRARWGPR[Gly1343Glu]ARSHNPRNPA